The following is an entry in ClinVar:

ClinVar aggregate classification (germline): Pathogenic (1 of 4 stars; one submission).

Conditions:
Recessive dystrophic epidermolysis bullosa (RDEB). Also called: DYSTROPHIC EPIDERMOLYSIS BULLOSA, AUTOSOMAL RECESSIVE; EPIDERMOLYSIS BULLOSA DYSTROPHICA, HALLOPEAU-SIEMENS TYPE; Hallopeau-Siemens Disease; severe generalized recessive dystrophic epidermolysis bullosa; EPIDERMOLYSIS BULLOSA DYSTROPHICA, GENERALIZED SEVERE, AUTOSOMAL RECESSIVE; Epidermolysis Bullosa Distrophica Autosomal Recessive (RDEB). Identifiers: Orphanet 79408, Orphanet 79409, MedGen C0079474, MONDO:0009179, OMIM 226600.

Submission:

Myriad Genetics, Inc.
Classification: Pathogenic for Recessive dystrophic epidermolysis bullosa. Last evaluated: 2025-05-17. Review status: criteria provided, single submitter. Criteria: Myriad Autosomal Dominant, Autosomal Recessive and X-Linked Classification Criteria (2023). Collection method: clinical testing. Allele origin: unknown.
Comment: NM_000094.3(COL7A1):c.8242_8243delCCinsT(P2748Sfs*38) is expected to be pathogenic in the context of dystrophic epidermolysis bullosa. This variant is predicted to lead to an abnormal or absent protein product due to the creation of a premature termination codon in COL7A1, a gene where loss-of-function variants are known to be pathogenic. Please note: this variant was assessed in the context of healthy population screening.

NM_000094.4(COL7A1):c.8242_8243delinsT (p.Pro2748fs)

Gene: COL7A1 (collagen type VII alpha 1 chain; minus strand). Cytogenetic location: 3p21.31.
Variant type: Indel.
Coding change: c.8242_8243delinsT on transcript NM_000094.4 (MANE Select); coding-DNA positions 8242 to 8243, CC replaced by T.
Protein change: p.Pro2748fs; shifts the reading frame from proline 2748.
Molecular consequence: frameshift variant.
Genome position (GRCh38, 1-based): chr3:48,566,721-48,566,722, GG replaced by A on the plus strand (CC replaced by T on the coding strand, the reverse complement: COL7A1 is on the minus strand). VCF-style: chr3-48566721-GG-A. GRCh37 (hg19) VCF-style: chr3-48604154-GG-A.
Other names: short protein forms P2748fs.
Identifiers: ClinVar variation 5014451 (VCV005014451.1).
Genomic context (GRCh38, chr3:48,566,721, plus strand): 5'-TGCTCCCCTCTCTCGCCAGGAGCTCCAGGGACCCCAGGAGCCCCCACCACTCTCTCTCCG[GG>A]GGGACCTCGCTCACCCTGTCAGACACAGGGACCAAGTGAGCAGGGTCAGAGGCAGTGGGG-3'